The following is an entry in ClinVar:

ClinVar aggregate classification (germline): Uncertain significance (1 of 4 stars; one submission).

Conditions:
Myopathy. Identifiers: MedGen C0026848, MeSH D009135, MONDO:0005336, HP:0003198.

Submission:

Clinical Genetics Laboratory, Skane University Hospital Lund
Classification: Uncertain significance for Myopathy. Last evaluated: 2026-02-25. Review status: criteria provided, single submitter. Criteria: ACMG Guidelines, 2015. Collection method: clinical testing. Allele origin: de novo. Inheritance: Autosomal dominant inheritance. Affected: yes.
Comment: PS2_Moderate, PM2

NM_001103.4(ACTN2):c.2526+2T>A

Gene: ACTN2 (actinin alpha 2; plus strand). Cytogenetic location: 1q43.
Variant type: single nucleotide variant.
Coding change: c.2526+2T>A on transcript NM_001103.4 (MANE Select); the canonical splice donor site of the intron after coding-DNA position 2526, T replaced by A.
Molecular consequence: splice donor variant.
Genome position (GRCh38, 1-based): chr1:236,761,175, T>A. VCF-style: chr1-236761175-T-A. GRCh37 (hg19) VCF-style: chr1-236924475-T-A.
Other names: c.2526+2T>A (NM_001278343.2).
Identifiers: ClinVar variation 4813217 (VCV004813217.1).